The following is an entry in ClinVar:

ClinVar aggregate classification (germline): Pathogenic (1 of 4 stars; one submission).

Conditions:
Primary immunodeficiency or monogenic inflammatory bowel disease.

Submission:

North West Genomic Laboratory Hub, Manchester University NHS Foundation Trust
Classification: Pathogenic for Primary immunodeficiency or monogenic inflammatory bowel disease. Last evaluated: 2024-10-18. Review status: criteria provided, single submitter. Criteria: ACGS Best Practice Guidelines for Variant Classification in Rare Disease 2024. Collection method: clinical testing. Allele origin: germline. Affected: yes.
Comment: PVS1_VStr PM2_Mod

NM_018990.4(SASH3):c.227G>A (p.Trp76Ter)

Gene: SASH3 (SAM and SH3 domain containing 3; plus strand). Cytogenetic location: Xq26.1.
Variant type: single nucleotide variant.
Coding change: c.227G>A on transcript NM_018990.4 (MANE Select); coding-DNA position 227, G replaced by A.
Protein change: p.Trp76Ter; replaces tryptophan 76 with a stop codon.
Molecular consequence: nonsense.
Genome position (GRCh38, 1-based): chrX:129,788,504, G>A. VCF-style: chrX-129788504-G-A. GRCh37 (hg19) VCF-style: chrX-128922480-G-A.
Other names: short protein forms W76*.
Identifiers: ClinVar variation 4852399 (VCV004852399.1).
Genomic context (GRCh38, chrX:129,788,504, plus strand): 5'-ACTCAGGTGTCCCCACCCCAGAAGATGCTGGGAAGAGTGGCAAAAAGCTGGGGAAGAAGT[G>A]GAGGGCAGTGATTTCCCGAACCATGAACAGGAAGATGGGCAAGATGATGGTGAAGGCCCT-3'